The following is an entry in ClinVar:

NM_003590.5(CUL3):c.1745T>C (p.Val582Ala)

Gene: CUL3 (cullin 3; minus strand). Cytogenetic location: 2q36.2.
Variant type: single nucleotide variant.
Coding change: c.1745T>C on transcript NM_003590.5 (MANE Select); coding-DNA position 1745, T replaced by C.
Protein change: p.Val582Ala; replaces valine 582 with alanine.
Molecular consequence: missense variant.
Genome position (GRCh38, 1-based): chr2:224,495,929, A>G on the plus strand (T>C on the coding strand, the complement: CUL3 is on the minus strand). VCF-style: chr2-224495929-A-G. GRCh37 (hg19) VCF-style: chr2-225360646-A-G.
Other names: c.1547T>C, p.Val516Ala (NM_001257197.2); c.1763T>C, p.Val588Ala (NM_001257198.2); short protein forms V516A, V588A, V582A.
Identifiers: ClinVar variation 5009743 (VCV005009743.1).

ClinVar aggregate classification (germline): Uncertain significance (1 of 4 stars; one submission).

Submission:

GeneDx
Classification: Uncertain significance. Last evaluated: 2026-02-23. Review status: criteria provided, single submitter. Criteria: GeneDx Variant Classification Process June 2021. Collection method: clinical testing. Allele origin: germline.
Comment: Not observed at significant frequency in large population cohorts (gnomAD); In silico analysis suggests that this missense variant does not alter protein structure/function; Has not been previously published as pathogenic or benign to our knowledge